The following is an entry in ClinVar:

NC_000013.11:g.48303712G>T

Gene: RB1 (RB transcriptional corepressor 1; plus strand). Cytogenetic location: 13q14.2.
Variant type: single nucleotide variant.
Genome position: GRCh38 VCF-style: chr13-48303712-G-T. GRCh37 (hg19) VCF-style: chr13-48877848-G-T.
Identifiers: ClinVar variation 2878977 (VCV002878977.3), dbSNP rs2542091799, ClinGen allele CA2622977048.

ClinVar aggregate classification (germline): Uncertain significance (1 of 4 stars; one submission).

Conditions:
Retinoblastoma (RB1). Also called: RETINOBLASTOMA, SOMATIC. Identifiers: Orphanet 790, MedGen C0035335, MeSH D012175, MONDO:0008380, OMIM 180200, HP:0009919. Disease mechanism: loss of function. Inheritance: Both sporadic and heritable forms are tested..

Allele frequency attached by ClinVar (database versions not stated): gnomAD exomes below 0.00001.

Submission:

Labcorp Genetics (formerly Invitae), Labcorp
Classification: Uncertain significance for Retinoblastoma. Last evaluated: 2024-01-14. Review status: criteria provided, single submitter. Criteria: Invitae Variant Classification Sherloc (09022015). Collection method: clinical testing. Allele origin: germline.
Comment: This variant occurs in a non-coding region of the RB1 gene. It does not change the encoded amino acid sequence of the RB1 protein. This variant is not present in population databases (gnomAD no frequency). This variant has not been reported in the literature in individuals affected with RB1-related conditions. Experimental studies and prediction algorithms are not available or were not evaluated, and the functional significance of this variant is currently unknown. In summary, the available evidence is currently insufficient to determine the role of this variant in disease. Therefore, it has been classified as a Variant of Uncertain Significance.